The following is an entry in ClinVar:

NM_017636.4(TRPM4):c.3121G>A (p.Ala1041Thr)

Gene: TRPM4 (transient receptor potential cation channel subfamily M member 4; plus strand). Cytogenetic location: 19q13.33.
Variant type: single nucleotide variant.
Coding change: c.3121G>A on transcript NM_017636.4 (MANE Select); coding-DNA position 3121, G replaced by A.
Protein change: p.Ala1041Thr; replaces alanine 1041 with threonine.
Molecular consequence: missense variant.
Genome position (GRCh38, 1-based): chr19:49,202,131, G>A. VCF-style: chr19-49202131-G-A. GRCh37 (hg19) VCF-style: chr19-49705388-G-A.
Other names: c.2686G>A, p.Ala896Thr (NM_001195227.2); c.2776G>A, p.Ala926Thr (NM_001321281.2); c.1513G>A, p.Ala505Thr (NM_001321282.2); c.2599G>A, p.Ala867Thr (NM_001321283.2); c.2059G>A, p.Ala687Thr (NM_001321285.2); short protein forms A1041T, A505T, A926T, A867T, A687T, A896T.
Identifiers: ClinVar variation 4716286 (VCV004716286.1).

ClinVar aggregate classification (germline): Uncertain significance (1 of 4 stars; one submission).

Conditions:
Progressive familial heart block type IB (PFHB1B). Identifiers: Orphanet 871, MedGen C1970298, MONDO:0011474, OMIM 604559.

Submission:

Labcorp Genetics (formerly Invitae), Labcorp
Classification: Uncertain significance for Progressive familial heart block type IB. Last evaluated: 2025-03-30. Review status: criteria provided, single submitter. Criteria: Invitae Variant Classification Sherloc (09022015). Collection method: clinical testing. Allele origin: germline.
Comment: This sequence change replaces alanine, which is neutral and non-polar, with threonine, which is neutral and polar, at codon 1041 of the TRPM4 protein (p.Ala1041Thr). This variant is not present in population databases (gnomAD no frequency). This variant has not been reported in the literature in individuals affected with TRPM4-related conditions. An algorithm developed to predict the effect of missense changes on protein structure and function (PolyPhen-2) suggests that this variant is likely to be disruptive. In summary, the available evidence is currently insufficient to determine the role of this variant in disease. Therefore, it has been classified as a Variant of Uncertain Significance.